The following is an entry in ClinVar:

ClinVar aggregate classification (germline): Likely benign. Review status: criteria provided, multiple submitters, no conflicts (2 of 4 stars). 2 submissions from 2 submitters: Likely benign (2). Last evaluated 2022-08-10.

Conditions:
Charcot-Marie-Tooth disease type 4. Also called: Charcot-Marie-Tooth disease, type IV; Charcot-Marie-Tooth, Type 4. Identifiers: Orphanet 64749, MedGen C4082197, MONDO:0018995.

Allele frequency attached by ClinVar (database versions not stated): gnomAD exomes below 0.00001; gnomAD 0.00004 and 0.00003; TOPMed 0.00011.

Submissions (2):

Labcorp Genetics (formerly Invitae), Labcorp
Classification: Likely benign for Charcot-Marie-Tooth disease type 4. Last evaluated: 2022-08-10. Review status: criteria provided, single submitter. Criteria: Invitae Variant Classification Sherloc (09022015). Collection method: clinical testing. Allele origin: germline.

GeneDx
Classification: Likely benign. Last evaluated: 2016-06-27. Review status: criteria provided, single submitter. Criteria: GeneDx Variant Classification (06012015). Collection method: clinical testing. Allele origin: germline. Affected: yes.
Comment: This variant is considered likely benign or benign based on one or more of the following criteria: it is a conservative change, it occurs at a poorly conserved position in the protein, it is predicted to be benign by multiple in silico algorithms, and/or has population frequency not consistent with disease.

NM_030962.4(SBF2):c.5451+10_5451+13dup

Genes: SBF2 (SET binding factor 2; minus strand), SBF2-AS1 (SBF2 antisense RNA 1; plus strand), LOC105369149 (uncharacterized LOC105369149; plus strand). Cytogenetic location: 11p15.4.
Variant type: Duplication.
Coding change: c.5451+10_5451+13dup on transcript NM_030962.4 (MANE Select); bases 10 to 13 of the intron after coding-DNA position 5451, 4 bases duplicated (TCTT; older notation c.5451+10_5451+13dupTCTT).
Molecular consequence: intron variant.
Genome position (GRCh38, 1-based): chr11:9,781,494-9,781,497, AAGA duplicated on the plus strand (TCTT on the coding strand, the reverse complement: SBF2 is on the minus strand). VCF-style (leftmost placement, unchanged base first): chr11-9781493-T-TAAGA. GRCh37 (hg19) VCF-style: chr11-9803040-T-TAAGA.
Other names: c.5451+10_5451+13dupTCTT (NM_030962.3); c.5322+10_5322+13dup (NM_001386342.1); c.5547+10_5547+13dup (NM_001386339.1).
Identifiers: ClinVar variation 421526 (VCV000421526.6), dbSNP rs1064795190, ClinGen allele CA16619419.